The following is an entry in ClinVar:

NM_000548.5(TSC2):c.3712G>A (p.Ala1238Thr)

Gene: TSC2 (TSC complex subunit 2; plus strand). Cytogenetic location: 16p13.3.
Variant type: single nucleotide variant.
Coding change: c.3712G>A on transcript NM_000548.5 (MANE Select); coding-DNA position 3712, G replaced by A.
Protein change: p.Ala1238Thr; replaces alanine 1238 with threonine.
Molecular consequence: missense variant.
Genome position (GRCh38, 1-based): chr16:2,081,696, G>A. VCF-style: chr16-2081696-G-A. GRCh37 (hg19) VCF-style: chr16-2131697-G-A.
Other names: c.3601G>A, p.Ala1201Thr (NM_001406670.1); c.3571G>A, p.Ala1191Thr (NM_001406671.1); c.3568G>A, p.Ala1190Thr (NM_001406673.1); c.3565G>A, p.Ala1189Thr (NM_001406675.1); c.3562G>A, p.Ala1188Thr (NM_001406676.1); c.3523G>A, p.Ala1175Thr (NM_001406677.1); c.3469G>A, p.Ala1157Thr (NM_001406678.1); c.3433G>A, p.Ala1145Thr (NM_001406679.1); and 18 more; short protein forms A1188T, A1191T, A1194T, A1205T, A746T, A994T, A1145T, A1158T.
Identifiers: ClinVar variation 2009194 (VCV002009194.5), dbSNP rs2090161746, ClinGen allele CA394292700.

ClinVar aggregate classification (germline): Uncertain significance. Review status: criteria provided, multiple submitters, no conflicts (2 of 4 stars). 2 submissions from 2 submitters: Uncertain significance (2). Last evaluated 2025-08-19.

Conditions:
Tuberous sclerosis 2 (TSC2). Identifiers: Orphanet 805, MedGen C1860707, MONDO:0013199, OMIM 613254.
Hereditary cancer-predisposing syndrome. Also called: Neoplastic Syndromes, Hereditary; Hereditary neoplastic syndrome; Tumor predisposition; Hereditary Cancer Syndrome. Identifiers: Orphanet 140162, MedGen C0027672, MeSH D009386, MONDO:0015356.

Submissions (2):

Ambry Genetics
Classification: Uncertain significance for Hereditary cancer-predisposing syndrome. Last evaluated: 2025-08-19. Review status: criteria provided, single submitter. Criteria: Ambry Variant Classification Scheme 2023. Collection method: clinical testing. Allele origin: germline.
Comment: The p.A1238T variant (also known as c.3712G>A), located in coding exon 30 of the TSC2 gene, results from a G to A substitution at nucleotide position 3712. The alanine at codon 1238 is replaced by threonine, an amino acid with similar properties. This amino acid position is conserved. In addition, the in silico prediction for this alteration is inconclusive. Based on the available evidence, the clinical significance of this variant remains unclear.

Labcorp Genetics (formerly Invitae), Labcorp
Classification: Uncertain significance for Tuberous sclerosis 2. Last evaluated: 2023-08-02. Review status: criteria provided, single submitter. Criteria: Invitae Variant Classification Sherloc (09022015). Collection method: clinical testing. Allele origin: germline.
Comment: In summary, the available evidence is currently insufficient to determine the role of this variant in disease. Therefore, it has been classified as a Variant of Uncertain Significance. Advanced modeling of protein sequence and biophysical properties (such as structural, functional, and spatial information, amino acid conservation, physicochemical variation, residue mobility, and thermodynamic stability) performed at Invitae indicates that this missense variant is not expected to disrupt TSC2 protein function. ClinVar contains an entry for this variant (Variation ID: 2009194). This variant has not been reported in the literature in individuals affected with TSC2-related conditions. This variant is not present in population databases (gnomAD no frequency). This sequence change replaces alanine, which is neutral and non-polar, with threonine, which is neutral and polar, at codon 1238 of the TSC2 protein (p.Ala1238Thr).